The following is an entry in ClinVar:

ClinVar aggregate classification (germline): Uncertain significance (1 of 4 stars; one submission).

Allele frequency attached by ClinVar (database versions not stated): TOPMed below 0.00001; gnomAD exomes 0.00001.
gnomAD v4.1: 12 of 1,613,944 alleles (0.00074%); highest among the groups gnomAD compares: Non-Finnish European, 0.001%; no homozygotes.

Submission:

Labcorp Genetics (formerly Invitae), Labcorp
Classification: Uncertain significance. Last evaluated: 2024-05-18. Review status: criteria provided, single submitter. Criteria: Invitae Variant Classification Sherloc (09022015). Collection method: clinical testing. Allele origin: germline.
Comment: This sequence change replaces phenylalanine, which is neutral and non-polar, with leucine, which is neutral and non-polar, at codon 74 of the POLD2 protein (p.Phe74Leu). This variant is not present in population databases (gnomAD no frequency). This variant has not been reported in the literature in individuals affected with POLD2-related conditions. ClinVar contains an entry for this variant (Variation ID: 2096499). Experimental studies and prediction algorithms are not available or were not evaluated, and the functional significance of this variant is currently unknown. In summary, the available evidence is currently insufficient to determine the role of this variant in disease. Therefore, it has been classified as a Variant of Uncertain Significance.

NM_006230.4(POLD2):c.117C>G (p.Phe39Leu)

Gene: POLD2 (DNA polymerase delta 2, accessory subunit; minus strand). Cytogenetic location: 7p13.
Variant type: single nucleotide variant.
Coding change: c.117C>G on transcript NM_006230.4 (MANE Select); coding-DNA position 117, C replaced by G.
Protein change: p.Phe39Leu; replaces phenylalanine 39 with leucine.
Molecular consequence: missense variant.
Genome position (GRCh38, 1-based): chr7:44,121,937, G>C on the plus strand (C>G on the coding strand, the complement: POLD2 is on the minus strand). VCF-style: chr7-44121937-G-C. GRCh37 (hg19) VCF-style: chr7-44161536-G-C.
Other names: c.117C>G, p.Phe39Leu (NM_001127218.3, NM_001256879.2); short protein forms F39L.
Identifiers: ClinVar variation 2096499 (VCV002096499.4), dbSNP rs967012538, ClinGen allele CA157893476.